The following is an entry in ClinVar:

NM_004618.5(TOP3A):c.991-12C>G

Gene: TOP3A (DNA topoisomerase III alpha; minus strand). Cytogenetic location: 17p11.2.
Variant type: single nucleotide variant.
Coding change: c.991-12C>G on transcript NM_004618.5 (MANE Select); 12 bases into the intron before coding-DNA position 991, C replaced by G.
Molecular consequence: intron variant.
Genome position (GRCh38, 1-based): chr17:18,294,797, G>C on the plus strand (C>G on the coding strand, the complement: TOP3A is on the minus strand). VCF-style: chr17-18294797-G-C. GRCh37 (hg19) VCF-style: chr17-18198111-G-C.
Other names: c.706-12C>G (NM_001320759.2).
Identifiers: ClinVar variation 3363447 (VCV003363447.1).

ClinVar aggregate classification (germline): Uncertain significance (1 of 4 stars; one submission).

Submission:

GeneDx
Classification: Uncertain significance. Last evaluated: 2023-10-24. Review status: criteria provided, single submitter. Criteria: GeneDx Variant Classification Process June 2021. Collection method: clinical testing. Allele origin: germline. Affected: yes.
Comment: Has not been previously published as pathogenic or benign to our knowledge; Not observed at significant frequency in large population cohorts (gnomAD); In silico analysis suggests this variant may impact gene splicing; in the absence of RNA/functional studies, the actual effect of this sequence change is unknown